The following is an entry in ClinVar:

NM_145207.3(AFG2A):c.2364T>A (p.Ile788=)

Gene: AFG2A (AAA ATPase AFG2A; plus strand). Cytogenetic location: 4q28.1.
Variant type: single nucleotide variant.
Coding change: c.2364T>A on transcript NM_145207.3 (MANE Select); coding-DNA position 2364, T replaced by A.
Protein change: p.Ile788=; no amino-acid change (isoleucine 788 retained).
Molecular consequence: synonymous variant.
Genome position (GRCh38, 1-based): chr4:123,256,039, T>A. VCF-style: chr4-123256039-T-A. GRCh37 (hg19) VCF-style: chr4-124177194-T-A.
Other names: c.2361T>A, p.Ile787= (NM_001345856.2); c.2433T>A, p.Ile811= (NM_001437913.1); c.2436T>A, p.Ile812= (NM_001438322.1).
Identifiers: ClinVar variation 5040624 (VCV005040624.1).

ClinVar aggregate classification (germline): Likely benign (1 of 4 stars; one submission).

Submission:

CeGaT Center for Human Genetics Tuebingen
Classification: Likely benign. Last evaluated: 2026-08-01. Review status: criteria provided, single submitter. Criteria: CeGaT Center For Human Genetics Tuebingen Variant Classification Criteria Version 2. Collection method: clinical testing. Allele origin: germline. Affected: yes. Observed: 1 variant allele.
Comment: AFG2A: PM2:Supporting, BP4, BP7